The following is an entry in ClinVar:

ClinVar aggregate classification (germline): Uncertain significance (1 of 4 stars; one submission).

Submission:

Labcorp Genetics (formerly Invitae), Labcorp
Classification: Uncertain significance. Last evaluated: 2020-07-19. Review status: criteria provided, single submitter. Criteria: Invitae Variant Classification Sherloc (09022015). Collection method: clinical testing. Allele origin: germline.
Comment: In summary, the available evidence is currently insufficient to determine the role of this variant in disease. Therefore, it has been classified as a Variant of Uncertain Significance. Algorithms developed to predict the effect of missense changes on protein structure and function output the following: SIFT: "Not Available"; PolyPhen-2: "Benign"; Align-GVGD: "Not Available". The leucine amino acid residue is found in multiple mammalian species, suggesting that this missense change does not adversely affect protein function. These predictions have not been confirmed by published functional studies and their clinical significance is uncertain. This variant has not been reported in the literature in individuals with POGLUT1-related conditions. This variant is not present in population databases (ExAC no frequency). This sequence change replaces valine with leucine at codon 192 of the POGLUT1 protein (p.Val192Leu). There is a small physicochemical difference between valine and leucine.

NM_152305.3(POGLUT1):c.574G>C (p.Val192Leu)

Gene: POGLUT1 (protein O-glucosyltransferase 1; plus strand). Cytogenetic location: 3q13.33.
Variant type: single nucleotide variant.
Coding change: c.574G>C on transcript NM_152305.3 (MANE Select); coding-DNA position 574, G replaced by C.
Protein change: p.Val192Leu; replaces valine 192 with leucine.
Molecular consequence: missense variant. On other transcripts: non-coding transcript variant (1).
Genome position (GRCh38, 1-based): chr3:119,480,168, G>C. VCF-style: chr3-119480168-G-C. GRCh37 (hg19) VCF-style: chr3-119199015-G-C.
Other names: short protein forms V192L.
Identifiers: ClinVar variation 1040868 (VCV001040868.7), dbSNP rs2081589523, ClinGen allele CA354042467.
Genomic context (GRCh38, chr3:119,480,168, plus strand): 5'-GCTGTTTGGCCAATTTATCCTACAGGTCTTGGACGGTGGGACCTCTTCAGAGAAGATCTG[G>C]TAAGGTAGGTCCTTTAAAGAGGTTTTATTTTTTCTCTTTCTGGGTTTTCTTGAAATAAGC-3'
Protein context (NP_689518.1, residues 182-202): GRWDLFREDL[Val192Leu]RSAAQWPWKK